The following is an entry in ClinVar:

NM_000558.5(HBA1):c.12_33del (p.Pro5fs)

Genes: HBA1 (hemoglobin subunit alpha 1; plus strand), LOC106804613 (hemoglobin subunit alpha 1 recombination region; plus strand). Cytogenetic location: 16p13.3.
Variant type: Deletion.
Coding change: c.12_33del on transcript NM_000558.5 (MANE Select); coding-DNA positions 12 to 33, 22 bases deleted (TCCTGCCGACAAGACCAACGTC).
Protein change: p.Pro5fs; shifts the reading frame from proline 5.
Molecular consequence: frameshift variant.
Genome position (GRCh38, 1-based): chr16:176,728-176,749, TCCTGCCGACAAGACCAACGTC deleted; deleting any 22 consecutive bases within chr16:176,725-176,749 gives the same sequence; the c. name uses the placement nearest the transcript's 3' end. VCF-style (leftmost placement, unchanged base first): chr16-176724-TGTCTCCTGCCGACAAGACCAAC-T. GRCh37 (hg19) VCF-style: chr16-226723-TGTCTCCTGCCGACAAGACCAAC-T.
Other names: c.12_33delTCCTGCCGACAAGACCAACGTC (NM_000558.4); short protein forms P5fs.
Identifiers: ClinVar variation 3766565 (VCV003766565.2).

ClinVar aggregate classification (germline): Likely pathogenic. Review status: criteria provided, multiple submitters, no conflicts (2 of 4 stars). 2 submissions from 2 submitters: Likely pathogenic (2). Last evaluated 2025-08-01.

Conditions:
alpha Thalassemia. Also called: Alpha thalassemia spectrum. Identifiers: Orphanet 846, MedGen C0002312, MONDO:0011399, OMIM 604131.

Submissions (2):

Natera, Inc.
Classification: Likely pathogenic for Alpha thalassemia. Last evaluated: 2025-08-01. Review status: criteria provided, single submitter. Criteria: Natera Variant Classification Schema (03/2026). Collection method: clinical testing. Allele origin: germline.
Comment: The c.12_33delTCCTGCCGACAAGACCAACGTC variant in HBA1 is a frameshift variant predicted to shift the reading frame beginning at codon 5 and leads to a stop codon 38 codons downstream. This variant is expected to result in nonsense mediated decay, truncation, or a dysfunctional protein product. This variant is rare in the general population with a frequency below the threshold expected for the associated phenotype(s). Given the available evidence, this variant is classified as Likely Pathogenic.

ARUP Laboratories, Molecular Genetics and Genomics, ARUP Laboratories
Classification: Likely pathogenic. Last evaluated: 2024-04-15. Review status: criteria provided, single submitter. Criteria: ARUP Molecular Germline Variant Investigation Process 2024. Collection method: clinical testing. Allele origin: germline.
Comment: The HBA1 c.12_33del; p.Pro5ArgfsTer38, (also known as Pro4fs when numbered from the mature protein) to our knowledge, is not reported in the medical literature or gene specific databases. This variant is also absent from the Genome Aggregation Database, indicating it is not a common polymorphism. This variant causes a frameshift by deleting twenty-two nucleotides, so it is predicted to result in a truncated protein or mRNA subject to nonsense-mediated decay. Based on available information, this variant is considered to be likely pathogenic.